The following is an entry in ClinVar:

ClinVar aggregate classification (germline): Uncertain significance. Review status: criteria provided, multiple submitters, no conflicts (2 of 4 stars). 2 submissions from 2 submitters: Uncertain significance (2). Last evaluated 2022-07-19.

Conditions:
Retinitis pigmentosa (RP). Identifiers: Orphanet 791, MedGen C0035334, MeSH D012174, MONDO:0019200, OMIM 268000. Inheritance: Autosomal dominant, autosomal recessive and X linked inheritance.

Allele frequency attached by ClinVar (database versions not stated): gnomAD exomes below 0.00001; TOPMed below 0.00001.
gnomAD v4.1: 4 of 1,549,796 alleles (0.00026%); highest among the groups gnomAD compares: South Asian, 0.0036%; no homozygotes.

Submissions (2):

Labcorp Genetics (formerly Invitae), Labcorp
Classification: Uncertain significance. Last evaluated: 2022-07-19. Review status: criteria provided, single submitter. Criteria: Invitae Variant Classification Sherloc (09022015). Collection method: clinical testing. Allele origin: germline.
Comment: This sequence change replaces threonine, which is neutral and polar, with serine, which is neutral and polar, at codon 828 of the EYS protein (p.Thr828Ser). This variant is not present in population databases (gnomAD no frequency). This variant has not been reported in the literature in individuals affected with EYS-related conditions. ClinVar contains an entry for this variant (Variation ID: 912003). Algorithms developed to predict the effect of missense changes on protein structure and function output the following: SIFT: "Tolerated"; PolyPhen-2: "Benign"; Align-GVGD: "Class C0". The serine amino acid residue is found in multiple mammalian species, which suggests that this missense change does not adversely affect protein function. Algorithms developed to predict the effect of sequence changes on RNA splicing suggest that this variant may create or strengthen a splice site. In summary, the available evidence is currently insufficient to determine the role of this variant in disease. Therefore, it has been classified as a Variant of Uncertain Significance.

Illumina Laboratory Services, Illumina
Classification: Uncertain significance for Retinitis pigmentosa. Last evaluated: 2018-01-13. Review status: criteria provided, single submitter. Criteria: ICSL Variant Classification Criteria 13 December 2019. Collection method: clinical testing. Allele origin: germline.

NM_001142800.2(EYS):c.2483C>G (p.Thr828Ser)

Gene: EYS (EGF-like photoreceptor maintenance factor; minus strand). Cytogenetic location: 6q12.
Variant type: single nucleotide variant.
Coding change: c.2483C>G on transcript NM_001142800.2 (MANE Select); coding-DNA position 2483, C replaced by G.
Protein change: p.Thr828Ser; replaces threonine 828 with serine.
Molecular consequence: missense variant.
Genome position (GRCh38, 1-based): chr6:64,912,642, G>C on the plus strand (C>G on the coding strand, the complement: EYS is on the minus strand). VCF-style: chr6-64912642-G-C. GRCh37 (hg19) VCF-style: chr6-65622535-G-C.
Other names: c.2483C>G, p.Thr828Ser (NM_001292009.2); short protein forms T828S.
Identifiers: ClinVar variation 912003 (VCV000912003.5), dbSNP rs1768037062, ClinGen allele CA364786412.